The following is an entry in ClinVar:

ClinVar aggregate classification (germline): Uncertain significance. Review status: criteria provided, multiple submitters, no conflicts (2 of 4 stars). 2 submissions from 2 submitters: Uncertain significance (2). Last evaluated 2025-10-21.

Allele frequency attached by ClinVar (database versions not stated): gnomAD 0.00005; 1000 Genomes Project 30x 0.00016; 1000 Genomes Project 0.00020; ExAC 0.00007.
gnomAD v4.1: 30 of 1,603,366 alleles (0.0019%); highest among the groups gnomAD compares: South Asian, 0.018%; no homozygotes.

Submissions (2):

Labcorp Genetics (formerly Invitae), Labcorp
Classification: Uncertain significance. Last evaluated: 2025-10-21. Review status: criteria provided, single submitter. Criteria: Invitae Variant Classification Sherloc (09022015). Collection method: clinical testing. Allele origin: germline.
Comment: This sequence change replaces glutamine, which is neutral and polar, with glutamic acid, which is acidic and polar, at codon 72 of the ADGRA3 protein (p.Gln72Glu). This variant is present in population databases (rs569805222, gnomAD 0.03%). This variant has not been reported in the literature in individuals affected with ADGRA3-related conditions. ClinVar contains an entry for this variant (Variation ID: 2560731). An algorithm developed to predict the effect of missense changes on protein structure and function (PolyPhen-2) suggests that this variant is likely to be tolerated. In summary, the available evidence is currently insufficient to determine the role of this variant in disease. Therefore, it has been classified as a Variant of Uncertain Significance.

Ambry Genetics
Classification: Uncertain significance. Last evaluated: 2023-05-18. Review status: criteria provided, single submitter. Criteria: Ambry Variant Classification Scheme 2023. Collection method: clinical testing. Allele origin: germline.

NM_145290.4(ADGRA3):c.214C>G (p.Gln72Glu)

Gene: ADGRA3 (adhesion G protein-coupled receptor A3; minus strand). Cytogenetic location: 4p15.2.
Variant type: single nucleotide variant.
Coding change: c.214C>G on transcript NM_145290.4 (MANE Select); coding-DNA position 214, C replaced by G.
Protein change: p.Gln72Glu; replaces glutamine 72 with glutamic acid.
Molecular consequence: missense variant.
Genome position (GRCh38, 1-based): chr4:22,515,571, G>C on the plus strand (C>G on the coding strand, the complement: ADGRA3 is on the minus strand). VCF-style: chr4-22515571-G-C. GRCh37 (hg19) VCF-style: chr4-22517194-G-C.
Other names: short protein forms Q72E.
Identifiers: ClinVar variation 2560731 (VCV002560731.5), dbSNP rs569805222, ClinGen allele CA2874380.